The following is an entry in ClinVar:

NM_152415.3(VPS37A):c.616A>T (p.Ile206Phe)

Gene: VPS37A (VPS37A subunit of ESCRT-I; plus strand). Cytogenetic location: 8p22.
Variant type: single nucleotide variant.
Coding change: c.616A>T on transcript NM_152415.3 (MANE Select); coding-DNA position 616, A replaced by T.
Protein change: p.Ile206Phe; replaces isoleucine 206 with phenylalanine.
Molecular consequence: missense variant.
Genome position (GRCh38, 1-based): chr8:17,274,932, A>T. VCF-style: chr8-17274932-A-T. GRCh37 (hg19) VCF-style: chr8-17132441-A-T.
Other names: c.541A>T, p.Ile181Phe (NM_001145152.2); c.616A>T, p.Ile206Phe (NM_001363167.1, NM_001363173.2); c.346A>T, p.Ile116Phe (NM_001363168.1, NM_001363169.1, NM_001363170.1 and 2 more transcripts); short protein forms I206F, I181F, I116F.
Identifiers: ClinVar variation 383980 (VCV000383980.39), dbSNP rs17502618, ClinGen allele CA4643366.

ClinVar aggregate classification (germline): Benign. Review status: criteria provided, multiple submitters, no conflicts (2 of 4 stars). 5 submissions from 5 submitters: Benign (5). Last evaluated 2026-08-01.

Conditions:
Hereditary spastic paraplegia 53. Also called: Spastic paraplegia 53, autosomal recessive. Identifiers: Orphanet 319199, MedGen C3539494, MONDO:0013962, OMIM 614898.
Hereditary spastic paraplegia. Also called: Familial spastic paraparesis. Identifiers: Orphanet 685, MedGen C0037773, MONDO:0019064. Disease mechanism: loss of function.

Allele frequency attached by ClinVar (database versions not stated): 1000 Genomes Project 30x 0.00484; 1000 Genomes Project 0.00519; gnomAD 0.00682; TOPMed 0.00765; ESP Exome Variant Server 0.00838.
gnomAD v4.1: 16,618 of 1,614,096 alleles (1%); highest among the groups gnomAD compares: Middle Eastern, 1.5%; 114 homozygotes.

Submissions (17):

CeGaT Center for Human Genetics Tuebingen
Classification: Benign. Last evaluated: 2026-08-01. Review status: criteria provided, single submitter. Criteria: CeGaT Center For Human Genetics Tuebingen Variant Classification Criteria Version 2. Collection method: clinical testing. Allele origin: germline. Affected: yes. Observed: 14 variant alleles.
Comment: VPS37A: BP4, BS1, BS2

Labcorp Genetics (formerly Invitae), Labcorp
Classification: Benign for Hereditary spastic paraplegia 53. Last evaluated: 2026-01-27. Review status: criteria provided, single submitter. Criteria: Invitae Variant Classification Sherloc (09022015). Collection method: clinical testing. Allele origin: germline.

Genome Diagnostics Laboratory, The Hospital for Sick Children
Classification: Benign for Hereditary spastic paraplegia. Last evaluated: 2021-12-20. Review status: criteria provided, single submitter. Criteria: ACMG Guidelines, 2015. Collection method: clinical testing. Allele origin: germline. Affected: yes.

GeneDx
Classification: Benign. Last evaluated: 2016-07-11. Review status: criteria provided, single submitter. Criteria: GeneDx Variant Classification (06012015). Collection method: clinical testing. Allele origin: germline. Affected: yes.
Comment: This variant is considered likely benign or benign based on one or more of the following criteria: it is a conservative change, it occurs at a poorly conserved position in the protein, it is predicted to be benign by multiple in silico algorithms, and/or has population frequency not consistent with disease.

Breakthrough Genomics
Classification: Benign. Review status: criteria provided, single submitter. Criteria: ACMG Guidelines, 2015. Collection method: not provided. Allele origin: germline. Inheritance: Autosomal recessive inheritance. Affected: yes.

Dr. Peter K. Rogan Lab, Western University
No classification provided (evidence only). Condition: Melanoma. Review status: no classification provided. Collection method: in vitro. Allele origin: not applicable. Functional consequence: retained intron. Not counted in ClinVar's aggregate classification.

Dr. Peter K. Rogan Lab, Western University
No classification provided (evidence only). Condition: Melanoma. Review status: no classification provided. Collection method: in vitro. Allele origin: not applicable. Functional consequence: retained intron. Not counted in ClinVar's aggregate classification.

Dr. Peter K. Rogan Lab, Western University
No classification provided (evidence only). Condition: Acute myeloid leukemia. Review status: no classification provided. Collection method: in vitro. Allele origin: not applicable. Functional consequence: retained intron. Not counted in ClinVar's aggregate classification.

Dr. Peter K. Rogan Lab, Western University
No classification provided (evidence only). Condition: Acute myeloid leukemia. Review status: no classification provided. Collection method: in vitro. Allele origin: not applicable. Functional consequence: retained intron. Not counted in ClinVar's aggregate classification.

Dr. Peter K. Rogan Lab, Western University
No classification provided (evidence only). Condition: Acute myeloid leukemia. Review status: no classification provided. Collection method: in vitro. Allele origin: not applicable. Functional consequence: retained intron. Not counted in ClinVar's aggregate classification.

Dr. Peter K. Rogan Lab, Western University
No classification provided (evidence only). Condition: Sarcoma. Review status: no classification provided. Collection method: in vitro. Allele origin: not applicable. Functional consequence: retained intron. Not counted in ClinVar's aggregate classification.

Dr. Peter K. Rogan Lab, Western University
No classification provided (evidence only). Condition: Sarcoma. Review status: no classification provided. Collection method: in vitro. Allele origin: not applicable. Functional consequence: retained intron. Not counted in ClinVar's aggregate classification.

Dr. Peter K. Rogan Lab, Western University
No classification provided (evidence only). Condition: Sarcoma. Review status: no classification provided. Collection method: in vitro. Allele origin: not applicable. Functional consequence: retained intron. Not counted in ClinVar's aggregate classification.

Dr. Peter K. Rogan Lab, Western University
No classification provided (evidence only). Condition: Sarcoma. Review status: no classification provided. Collection method: in vitro. Allele origin: not applicable. Functional consequence: retained intron. Not counted in ClinVar's aggregate classification.

Dr. Peter K. Rogan Lab, Western University
No classification provided (evidence only). Condition: Hepatocellular carcinoma. Review status: no classification provided. Collection method: in vitro. Allele origin: not applicable. Functional consequence: retained intron. Not counted in ClinVar's aggregate classification.

Dr. Peter K. Rogan Lab, Western University
No classification provided (evidence only). Condition: Ovarian serous cystadenocarcinoma. Review status: no classification provided. Collection method: in vitro. Allele origin: not applicable. Functional consequence: retained intron. Not counted in ClinVar's aggregate classification.

Dr. Peter K. Rogan Lab, Western University
No classification provided (evidence only). Condition: Gastric cancer. Review status: no classification provided. Collection method: in vitro. Allele origin: not applicable. Functional consequence: retained intron. Not counted in ClinVar's aggregate classification.